The following is an entry in ClinVar:

NM_001378454.1(ALMS1):c.10550A>G (p.His3517Arg)

Gene: ALMS1 (ALMS1 centrosome and basal body associated protein; plus strand). Cytogenetic location: 2p13.1.
Variant type: single nucleotide variant.
Coding change: c.10550A>G on transcript NM_001378454.1 (MANE Select); coding-DNA position 10550, A replaced by G.
Protein change: p.His3517Arg; replaces histidine 3517 with arginine.
Molecular consequence: missense variant.
Genome position (GRCh38, 1-based): chr2:73,572,427, A>G. VCF-style: chr2-73572427-A-G. GRCh37 (hg19) VCF-style: chr2-73799554-A-G.
Other names: c.10553A>G, p.His3518Arg (NM_015120.4); short protein forms H3517R, H3518R.
Identifiers: ClinVar variation 1005123 (VCV001005123.11), dbSNP rs753393562, ClinGen allele CA1715022.

ClinVar aggregate classification (germline): Uncertain significance. Review status: criteria provided, multiple submitters, no conflicts (2 of 4 stars). 4 submissions from 4 submitters: Uncertain significance (3). 1 of the submissions does not count toward it. Last evaluated 2024-12-03.

Conditions:
Alstrom syndrome (ALMS). Identifiers: Orphanet 64, MedGen C0268425, MONDO:0008763, OMIM 203800.
Cardiovascular phenotype. Identifiers: MedGen CN230736.

Allele frequency attached by ClinVar (database versions not stated): gnomAD 0.00003 and 0.00002; gnomAD exomes 0.00004 and 0.00002; ExAC 0.00003; TOPMed 0.00004.
gnomAD v4.1: 37 of 1,612,880 alleles (0.0023%); highest among the groups gnomAD compares: Admixed American, 0.0067%; no homozygotes.

Submissions (4):

Ambry Genetics
Classification: Uncertain significance for Cardiovascular phenotype. Last evaluated: 2024-12-03. Review status: criteria provided, single submitter. Criteria: Ambry Variant Classification Scheme 2023. Collection method: clinical testing. Allele origin: germline.
Comment: The p.H3518R variant (also known as c.10553A>G), located in coding exon 16 of the ALMS1 gene, results from an A to G substitution at nucleotide position 10553. The histidine at codon 3518 is replaced by arginine, an amino acid with highly similar properties. This amino acid position is not well conserved in available vertebrate species. In addition, the in silico prediction for this alteration is inconclusive. Since supporting evidence is limited at this time, the clinical significance of this alteration remains unclear.

Labcorp Genetics (formerly Invitae), Labcorp
Classification: Uncertain significance for Alstrom syndrome. Last evaluated: 2023-12-21. Review status: criteria provided, single submitter. Criteria: Invitae Variant Classification Sherloc (09022015). Collection method: clinical testing. Allele origin: germline.
Comment: This sequence change replaces histidine, which is basic and polar, with arginine, which is basic and polar, at codon 3518 of the ALMS1 protein (p.His3518Arg). This variant is present in population databases (rs753393562, gnomAD 0.007%). This variant has not been reported in the literature in individuals affected with ALMS1-related conditions. ClinVar contains an entry for this variant (Variation ID: 1005123). Experimental studies and prediction algorithms are not available or were not evaluated, and the functional significance of this variant is currently unknown. In summary, the available evidence is currently insufficient to determine the role of this variant in disease. Therefore, it has been classified as a Variant of Uncertain Significance.

Fulgent Genetics
Classification: Uncertain significance for Alstrom syndrome. Last evaluated: 2022-05-18. Review status: criteria provided, single submitter. Criteria: ACMG Guidelines, 2015. Collection method: clinical testing. Allele origin: unknown.

Natera, Inc.
Classification: Uncertain significance for Alstrom syndrome. Last evaluated: 2020-11-04. Review status: no assertion criteria provided. Collection method: clinical testing. Allele origin: germline. Not counted in ClinVar's aggregate classification.